The following is an entry in ClinVar:

NM_005061.3(RPL3L):c.244C>G (p.Pro82Ala)

Gene: RPL3L (ribosomal protein L3 like; minus strand). Cytogenetic location: 16p13.3.
Variant type: single nucleotide variant.
Coding change: c.244C>G on transcript NM_005061.3 (MANE Select); coding-DNA position 244, C replaced by G.
Protein change: p.Pro82Ala; replaces proline 82 with alanine.
Molecular consequence: missense variant.
Genome position (GRCh38, 1-based): chr16:1,952,995, G>C on the plus strand (C>G on the coding strand, the complement: RPL3L is on the minus strand). VCF-style: chr16-1952995-G-C. GRCh37 (hg19) VCF-style: chr16-2002996-G-C.
Other names: NM_005061.3:c.244C>G(p.Pro82Ala); short protein forms P82A.
Identifiers: ClinVar variation 4686668 (VCV004686668.1).
Genomic context (GRCh38, chr16:1,952,995, plus strand): 5'-AGCTCCGGAGACCTCGAGGGGTGGCCACGTAGCCCACCACGCCCACCACCACTAGGGGCG[G>C]CGTTTCTACAATTGTCACCGCCTCCACCTCCTCCCGTTTGGAAATTTCTGGATGAGACAC-3'
Protein context (NP_005052.1, residues 72-92): EVEAVTIVET[Pro82Ala]PLVVVGVVGY

ClinVar aggregate classification (germline): Likely pathogenic (1 of 4 stars; one submission).

Conditions:
Primary dilated cardiomyopathy (DCM). Also called: Dilated Cardiomyopathy. Identifiers: Orphanet 217604, MedGen C0007193, MeSH D002311, MONDO:0005021, HP:0001644. Inheritance: Various modes of inheritance.

gnomAD v4.1: 721 of 1,610,496 alleles (0.045%); highest among the groups gnomAD compares: East Asian, 1.2%; 7 homozygotes.

Submission:

Department of Emergency and Pediatric Critical Care Medicine, Guiyang Maternal and Child Health Care Hospital
Classification: Likely pathogenic for Dilated cardiomyopathy. Last evaluated: 2025-01-26. Review status: criteria provided, single submitter. Criteria: ACMG Guidelines, 2015. Collection method: clinical testing. Allele origin: de novo. Inheritance: Autosomal dominant inheritance. Affected: yes. Observed: 1 variant allele, 1 heterozygote.
Comment: It is absent or extremely rare in population databases (gnomAD). Multiple in silico prediction tools (e.g., PolyPhen-2, SIFT, CADD) support a deleterious effect. The variant affects a highly conserved residue. Based on the ACMG/AMP guidelines, this variant meets the criteria for Likely pathogenic (evidence codes: PS2, PM2, PP3).